The following is an entry in ClinVar:

NM_000138.5(FBN1):c.1114G>A (p.Val372Ile)

Genes: FBN1 (fibrillin 1; minus strand), LOC113939944 (Sharpr-MPRA regulatory region 9539; plus strand). Cytogenetic location: 15q21.1.
Variant type: single nucleotide variant.
Coding change: c.1114G>A on transcript NM_000138.5 (MANE Select); coding-DNA position 1114, G replaced by A.
Protein change: p.Val372Ile; replaces valine 372 with isoleucine.
Molecular consequence: missense variant.
Genome position (GRCh38, 1-based): chr15:48,520,692, C>T on the plus strand (G>A on the coding strand, the complement: FBN1 is on the minus strand). VCF-style: chr15-48520692-C-T. GRCh37 (hg19) VCF-style: chr15-48812889-C-T.
Other names: c.1114G>A, p.Val372Ile (NM_001406716.1); short protein forms V372I.
Identifiers: ClinVar variation 3074868 (VCV003074868.1), dbSNP rs2141336011, ClinGen allele CA392347237.

ClinVar aggregate classification (germline): Uncertain significance (1 of 4 stars; one submission).

Conditions:
Marfan syndrome (MFS). Also called: MARFAN SYNDROME, TYPE I; Marfan syndrome type 1; Marfan's syndrome; Marfan syndrome, classic; FBN1-Related Marfan Syndrome. Identifiers: Orphanet 284963, Orphanet 558, MedGen C0024796, MONDO:0007947, OMIM 154700.

Submission:

All of Us Research Program, National Institutes of Health
Classification: Uncertain significance for Marfan syndrome. Last evaluated: 2023-12-13. Review status: criteria provided, single submitter. Criteria: ACMG Guidelines, 2015. Collection method: clinical testing. Allele origin: germline. Inheritance: Autosomal dominant inheritance. Observed: 1 variant allele, 1 heterozygote.
Comment: This missense variant replaces valine with isoleucine at codon 372 of the FBN1 protein. Computational prediction suggests that this variant may not impact protein structure and function (internally defined REVEL score threshold <= 0.5, PMID: 27666373). To our knowledge, functional studies have not been reported for this variant. This variant has not been reported in individuals affected with FBN1-related disorders in the literature. This variant has not been identified in the general population by the Genome Aggregation Database (gnomAD). The available evidence is insufficient to determine the role of this variant in disease conclusively. Therefore, this variant is classified as a Variant of Uncertain Significance.

This study involves interpretation of variants in research participants for the purpose of population health screening. Participant phenotype was not available at the time of variant classification. Additional details can be found in publication PMID: 35346344, PMCID: PMC8962531